The following is an entry in ClinVar:

NM_001184880.2(PCDH19):c.1297C>A (p.Leu433Met)

Gene: PCDH19 (protocadherin 19; minus strand). Cytogenetic location: Xq22.1.
Variant type: single nucleotide variant.
Coding change: c.1297C>A on transcript NM_001184880.2 (MANE Select); coding-DNA position 1297, C replaced by A.
Protein change: p.Leu433Met; replaces leucine 433 with methionine.
Molecular consequence: missense variant.
Genome position (GRCh38, 1-based): chrX:100,407,301, G>T on the plus strand (C>A on the coding strand, the complement: PCDH19 is on the minus strand). VCF-style: chrX-100407301-G-T. GRCh37 (hg19) VCF-style: chrX-99662299-G-T.
Other names: c.1297C>A, p.Leu433Met (NM_001105243.2, NM_020766.3); short protein forms L433M.
Identifiers: ClinVar variation 1059075 (VCV001059075.9), dbSNP rs764650219, ClinGen allele CA414003190.
Genomic context (GRCh38, chrX:100,407,301, plus strand): 5'-AGTGCGGGTGGTTGTCATTTTCGTCAGTGATGAGCACGGTAAAGGACTTGGCACTCTGCA[G>T]CATGGGCACGCCGCCGTCGCGTGCCTGAATTGTGAGGTTGTATTGGTCGTGCTGCTCGCG-3'
Protein context (NP_001171809.1, residues 423-443): IQARDGGVPM[Leu433Met]QSAKSFTVLI

ClinVar aggregate classification (germline): Pathogenic (1 of 4 stars; one submission).

Conditions:
Developmental and epileptic encephalopathy, 9 (DEE9). Also called: Early infantile epileptic encephalopathy 9; EPILEPSY, FEMALE-RESTRICTED, WITH MENTAL RETARDATION; JUBERG-HELLMAN SYNDROME; PCDH19-Related X-Linked Female-Limited Epilepsy with Mental Retardation. Identifiers: Orphanet 101039, Orphanet 2076, MedGen C1848137, MONDO:0010246, OMIM 300088. Disease mechanism: loss of function.

Submission:

Labcorp Genetics (formerly Invitae), Labcorp
Classification: Pathogenic for Developmental and epileptic encephalopathy, 9. Last evaluated: 2020-11-16. Review status: criteria provided, single submitter. Criteria: Invitae Variant Classification Sherloc (09022015). Collection method: clinical testing. Allele origin: germline.
Comment: This sequence change replaces leucine with methionine at codon 433 of the PCDH19 protein (p.Leu433Met). The leucine residue is highly conserved and there is a small physicochemical difference between leucine and methionine. This variant is not present in population databases (ExAC no frequency). This variant has been observed in individual(s) with clinical features of PCDH19-related conditions (Invitae). In at least one individual the variant was observed to be de novo. Advanced modeling of protein sequence and biophysical properties (such as structural, functional, and spatial information, amino acid conservation, physicochemical variation, residue mobility, and thermodynamic stability) performed at Invitae indicates that this missense variant is expected to disrupt PCDH19 protein function. For these reasons, this variant has been classified as Pathogenic.